The following is an entry in ClinVar:

ClinVar aggregate classification (germline): Uncertain significance (1 of 4 stars; one submission).

Submission:

Labcorp Genetics (formerly Invitae), Labcorp
Classification: Uncertain significance. Last evaluated: 2024-01-22. Review status: criteria provided, single submitter. Criteria: Invitae Variant Classification Sherloc (09022015). Collection method: clinical testing. Allele origin: germline.
Comment: This sequence change replaces lysine, which is basic and polar, with threonine, which is neutral and polar, at codon 224 of the ADNP protein (p.Lys224Thr). This variant is not present in population databases (gnomAD no frequency). This variant has not been reported in the literature in individuals affected with ADNP-related conditions. ClinVar contains an entry for this variant (Variation ID: 2105570). An algorithm developed to predict the effect of missense changes on protein structure and function (PolyPhen-2) suggests that this variant is likely to be disruptive. In summary, the available evidence is currently insufficient to determine the role of this variant in disease. Therefore, it has been classified as a Variant of Uncertain Significance.

NM_001282531.3(ADNP):c.671A>C (p.Lys224Thr)

Gene: ADNP (activity dependent neuroprotector homeobox; minus strand). Cytogenetic location: 20q13.13.
Variant type: single nucleotide variant.
Coding change: c.671A>C on transcript NM_001282531.3 (MANE Select); coding-DNA position 671, A replaced by C.
Protein change: p.Lys224Thr; replaces lysine 224 with threonine.
Molecular consequence: missense variant.
Genome position (GRCh38, 1-based): chr20:50,894,043, T>G on the plus strand (A>C on the coding strand, the complement: ADNP is on the minus strand). VCF-style: chr20-50894043-T-G. GRCh37 (hg19) VCF-style: chr20-49510580-T-G.
Other names: c.671A>C, p.Lys224Thr (NM_001282532.2, NM_001347511.2, NM_015339.5 and 1 more transcripts); short protein forms K224T.
Identifiers: ClinVar variation 2105570 (VCV002105570.4), dbSNP rs1981121891, ClinGen allele CA408976806.